The following is an entry in ClinVar:

ClinVar aggregate classification (germline): Likely benign (1 of 4 stars; one submission).

gnomAD v4.1: 4,648 of 1,610,984 alleles (0.29%); highest among the groups gnomAD compares: South Asian, 0.41%; 12 homozygotes.

Submission:

CeGaT Center for Human Genetics Tuebingen
Classification: Likely benign. Last evaluated: 2025-06-01. Review status: criteria provided, single submitter. Criteria: CeGaT Center For Human Genetics Tuebingen Variant Classification Criteria Version 2. Collection method: clinical testing. Allele origin: germline. Affected: yes. Observed: 1 variant allele.
Comment: RAB2B: BP4, BP7

NM_032846.4(RAB2B):c.639T>C (p.Ser213=)

Gene: RAB2B (RAB2B, member RAS oncogene family; minus strand). Cytogenetic location: 14q11.2.
Variant type: single nucleotide variant.
Coding change: c.639T>C on transcript NM_032846.4 (MANE Select); coding-DNA position 639, T replaced by C.
Protein change: p.Ser213=; no amino-acid change (serine 213 retained).
Molecular consequence: synonymous variant. On other transcripts: non-coding transcript variant (1).
Genome position (GRCh38, 1-based): chr14:21,461,208, A>G on the plus strand (T>C on the coding strand, the complement: RAB2B is on the minus strand). VCF-style: chr14-21461208-A-G. GRCh37 (hg19) VCF-style: chr14-21929367-A-G.
Other names: c.501T>C, p.Ser167= (NM_001163380.2).
Identifiers: ClinVar variation 3904816 (VCV003904816.10).